The following is an entry in ClinVar:

ClinVar aggregate classification (germline): Likely benign (0 of 4 stars; one submission).

Conditions:
PDE11A-related disorder. Also called: PDE11A-related condition.

Allele frequency attached by ClinVar (database versions not stated): gnomAD exomes below 0.00001; gnomAD 0.00001; TOPMed 0.00001.
gnomAD v4.1: 9 of 1,613,970 alleles (0.00056%); highest among the groups gnomAD compares: Non-Finnish European, 0.00051%; no homozygotes.

Submission:

PreventionGenetics, part of Exact Sciences
Classification: Likely benign for PDE11A-related condition. Last evaluated: 2019-02-20. Review status: no assertion criteria provided. Collection method: clinical testing. Allele origin: germline.
Comment: This variant is classified as likely benign based on ACMG/AMP sequence variant interpretation guidelines (Richards et al. 2015 PMID: 25741868, with internal and published modifications).

NM_001077197.2(PDE11A):c.153A>G (p.Thr51=)

Gene: PDE11A (phosphodiesterase 11A; minus strand). Cytogenetic location: 2q31.2.
Variant type: single nucleotide variant.
Coding change: c.153A>G on transcript NM_001077197.2; coding-DNA position 153, A replaced by G.
Protein change: p.Thr51=; no amino-acid change (threonine 51 retained).
Molecular consequence: synonymous variant.
Genome position (GRCh38, 1-based): chr2:178,104,311, T>C on the plus strand (A>G on the coding strand, the complement: PDE11A is on the minus strand). VCF-style: chr2-178104311-T-C. GRCh37 (hg19) VCF-style: chr2-178969038-T-C.
Identifiers: ClinVar variation 3058227 (VCV003058227.2), dbSNP rs898117331, ClinGen allele CA61458837.
Genomic context (GRCh38, chr2:178,104,311, plus strand): 5'-TATTCTTTCCTACAGTGTATCTGGTTCTCTCCCACAACTGCTAGTTTTTACCTTTGTTTT[T>C]GTTTGCCTCTGTATAAGAAAATCCTGGTGCTTTTCCTGTTTTTCAGCCAAAGAGGCCCCA-3'